The following is an entry in ClinVar:

ClinVar aggregate classification (germline): Uncertain significance (1 of 4 stars; one submission).

Conditions:
Catecholaminergic polymorphic ventricular tachycardia (CVPT). Also called: Catecholamine-induced polymorphic ventricular tachycardia. Identifiers: Orphanet 3286, MedGen C5574922, MONDO:0017990.

gnomAD v4.1: 3 of 1,605,556 alleles (0.00019%); highest among the groups gnomAD compares: Admixed American, 0.0034%; no homozygotes.

Submission:

All of Us Research Program, National Institutes of Health
Classification: Uncertain significance for Catecholaminergic polymorphic ventricular tachycardia. Last evaluated: 2024-03-05. Review status: criteria provided, single submitter. Criteria: ACMG Guidelines, 2015. Collection method: clinical testing. Allele origin: germline. Inheritance: Autosomal dominant inheritance. Observed: 1 variant allele, 1 heterozygote.
Comment: This study involves interpretation of variants in research participants for the purpose of population health screening. Participant phenotype was not available at the time of variant classification. Additional details can be found in publication PMID: 35346344, PMCID: PMC8962531

NM_001035.3(RYR2):c.277G>A (p.Val93Ile)

Gene: RYR2 (ryanodine receptor 2; plus strand). Cytogenetic location: 1q43.
Variant type: single nucleotide variant.
Coding change: c.277G>A on transcript NM_001035.3 (MANE Select); coding-DNA position 277, G replaced by A.
Protein change: p.Val93Ile; replaces valine 93 with isoleucine.
Molecular consequence: missense variant.
Genome position (GRCh38, 1-based): chr1:237,355,968, G>A. VCF-style: chr1-237355968-G-A. GRCh37 (hg19) VCF-style: chr1-237519268-G-A.
Other names: short protein forms V93I.
Identifiers: ClinVar variation 3385648 (VCV003385648.1).